The following is an entry in ClinVar:

NM_020458.4(TTC7A):c.992_994del (p.Glu331del)

Gene: TTC7A (tetratricopeptide repeat domain 7A; plus strand). Cytogenetic location: 2p21.
Variant type: Deletion.
Coding change: c.992_994del on transcript NM_020458.4 (MANE Select); coding-DNA positions 992 to 994, 3 bases deleted (AAG; older notation c.992_994delAAG).
Protein change: p.Glu331del; deletes glutamic acid 331.
Molecular consequence: inframe deletion. On other transcripts: intron variant (1).
Genome position (GRCh38, 1-based): chr2:46,994,505-46,994,507, AAG deleted; deleting any 3 consecutive bases within chr2:46,994,504-46,994,507 gives the same sequence; the c. name uses the placement nearest the transcript's 3' end. VCF-style (leftmost placement, unchanged base first): chr2-46994503-TGAA-T. GRCh37 (hg19) VCF-style: chr2-47221642-TGAA-T.
Other names: c.992_994del, p.Glu331del (NM_001288951.2); c.890_892del, p.Glu297del (NM_001288953.2); c.-61-631_-61-629del (NM_001288955.2); short protein forms E331del, E297del.
Identifiers: ClinVar variation 1443734 (VCV001443734.1), dbSNP rs2104387737, ClinGen allele CA2573134828.

ClinVar aggregate classification (germline): Uncertain significance (1 of 4 stars; one submission).

Conditions:
Multiple gastrointestinal atresias. Also called: FAMILIAL INTESTINAL POLYATRESIA SYNDROME; Multiple intestinal atresia. Identifiers: Orphanet 2300, MedGen C0220744, MONDO:0009465.

Submission:

Labcorp Genetics (formerly Invitae), Labcorp
Classification: Uncertain significance for Multiple gastrointestinal atresias. Last evaluated: 2021-09-26. Review status: criteria provided, single submitter. Criteria: Invitae Variant Classification Sherloc (09022015). Collection method: clinical testing. Allele origin: germline.
Comment: This variant, c.992_994del, results in the deletion of 1 amino acid(s) of the TTC7A protein (p.Glu331del), but otherwise preserves the integrity of the reading frame. This variant is not present in population databases (ExAC no frequency). This variant has not been reported in the literature in individuals affected with TTC7A-related conditions. Experimental studies and prediction algorithms are not available or were not evaluated, and the functional significance of this variant is currently unknown. In summary, the available evidence is currently insufficient to determine the role of this variant in disease. Therefore, it has been classified as a Variant of Uncertain Significance.